The following is an entry in ClinVar:

ClinVar aggregate classification (germline): Uncertain significance (1 of 4 stars; one submission).

Conditions:
Naxos disease (NXD). Also called: KERATOSIS PALMOPLANTARIS WITH ARRHYTHMOGENIC CARDIOMYOPATHY; MAL DE NAXOS; PALMOPLANTAR KERATODERMA WITH ARRHYTHMOGENIC RIGHT VENTRICULAR CARDIOMYOPATHY AND WOOLLY HAIR; CARDIOMYOPATHY, ARRHYTHMOGENIC RIGHT VENTRICULAR, WITH SKIN, HAIR, AND NAIL ABNORMALITIES; WOOLLY HAIR, PALMOPLANTAR KERATODERMA, AND CARDIAC ABNORMALITIES. Identifiers: Orphanet 34217, MedGen C1832600, MONDO:0011017, OMIM 601214.
Arrhythmogenic right ventricular dysplasia 12. Also called: ARRHYTHMOGENIC RIGHT VENTRICULAR DYSPLASIA, FAMILIAL, 12. Identifiers: MedGen C1969081, MONDO:0012684, OMIM 611528.

gnomAD v4.1: 2 of 1,613,710 alleles (0.00012%); highest among the groups gnomAD compares: Non-Finnish European, 0.00017%; no homozygotes.

Submission:

Labcorp Genetics (formerly Invitae), Labcorp
Classification: Uncertain significance for Arrhythmogenic right ventricular dysplasia 12; Naxos disease. Last evaluated: 2025-06-15. Review status: criteria provided, single submitter. Criteria: Invitae Variant Classification Sherloc (09022015). Collection method: clinical testing. Allele origin: germline.
Comment: This sequence change replaces tyrosine, which is neutral and polar, with histidine, which is basic and polar, at codon 20 of the JUP protein (p.Tyr20His). This variant is not present in population databases (gnomAD no frequency). This variant has not been reported in the literature in individuals affected with JUP-related conditions. An algorithm developed to predict the effect of missense changes on protein structure and function (PolyPhen-2) suggests that this variant is likely to be disruptive. In summary, the available evidence is currently insufficient to determine the role of this variant in disease. Therefore, it has been classified as a Variant of Uncertain Significance.

NM_002230.4(JUP):c.58T>C (p.Tyr20His)

Gene: JUP (junction plakoglobin; minus strand). Cytogenetic location: 17q21.2.
Variant type: single nucleotide variant.
Coding change: c.58T>C on transcript NM_002230.4 (MANE Select); coding-DNA position 58, T replaced by C.
Protein change: p.Tyr20His; replaces tyrosine 20 with histidine.
Molecular consequence: missense variant.
Genome position (GRCh38, 1-based): chr17:41,771,797, A>G on the plus strand (T>C on the coding strand, the complement: JUP is on the minus strand). VCF-style: chr17-41771797-A-G. GRCh37 (hg19) VCF-style: chr17-39928049-A-G.
Other names: c.58T>C, p.Tyr20His (NM_001352773.2, NM_001352774.2, NM_001352775.2 and 3 more transcripts); short protein forms Y20H.
Identifiers: ClinVar variation 4784375 (VCV004784375.1).